The following is an entry in ClinVar:

ClinVar aggregate classification (germline): Benign (0 of 4 stars; one submission).

Conditions:
XIRP2-related disorder. Also called: XIRP2-related condition.

Allele frequency attached by ClinVar (database versions not stated): gnomAD exomes 0.12911; ExAC 0.16271; ESP Exome Variant Server 0.18115; gnomAD 0.19212; TOPMed 0.19817; 1000 Genomes Project 30x 0.23173; 1000 Genomes Project 0.23263.
gnomAD v4.1: 218,821 of 1,613,700 alleles (14%); highest among the groups gnomAD compares: African/African-American, 35%; 17,788 homozygotes.

Submission:

PreventionGenetics, part of Exact Sciences
Classification: Benign for XIRP2-related condition. Last evaluated: 2019-11-06. Review status: no assertion criteria provided. Collection method: clinical testing. Allele origin: germline.
Comment: This variant is classified as benign based on ACMG/AMP sequence variant interpretation guidelines (Richards et al. 2015 PMID: 25741868, with internal and published modifications).

NM_152381.6(XIRP2):c.1873C>G (p.Pro625Ala)

Gene: XIRP2 (xin actin binding repeat containing 2; plus strand). Cytogenetic location: 2q24.3.
Variant type: single nucleotide variant.
Coding change: c.1873C>G on transcript NM_152381.6 (MANE Select); coding-DNA position 1873, C replaced by G.
Protein change: p.Pro625Ala; replaces proline 625 with alanine.
Molecular consequence: missense variant. On other transcripts: intron variant (3).
Genome position (GRCh38, 1-based): chr2:167,243,265, C>G. VCF-style: chr2-167243265-C-G. GRCh37 (hg19) VCF-style: chr2-168099775-C-G.
Other names: c.1207C>G, p.Pro403Ala (NM_001199144.2); c.1275+1355C>G (NM_001199143.2); c.1176+1355C>G (NM_001079810.4); c.510+1355C>G (NM_001199145.2); short protein forms P403A, P625A.
Identifiers: ClinVar variation 3056252 (VCV003056252.2), dbSNP rs16853305, ClinGen allele CA1946548.